The following is an entry in ClinVar:

ClinVar aggregate classification (germline): Likely benign. Review status: criteria provided, multiple submitters, no conflicts (2 of 4 stars). 6 submissions from 6 submitters: Likely benign (6). Last evaluated 2025-12-19.

Conditions:
Cardiovascular phenotype. Identifiers: MedGen CN230736.
Cardiomyopathy (CMYO). Also called: Cardiomyopathies. Identifiers: Orphanet 167848, MedGen C0878544, MONDO:0004994, HP:0001638. Inheritance: Various modes of inheritance.
Catecholaminergic polymorphic ventricular tachycardia 1. Also called: VENTRICULAR TACHYCARDIA, CATECHOLAMINERGIC POLYMORPHIC, 1, WITH OR WITHOUT ATRIAL DYSFUNCTION AND/OR DILATED CARDIOMYOPATHY; RYR2-Related Catecholaminergic Polymorphic Ventricular Tachycardia; VENTRICULAR TACHYCARDIA, STRESS-INDUCED POLYMORPHIC 1. Identifiers: Orphanet 3286, MedGen C1631597, MONDO:0011484, OMIM 604772.
Catecholaminergic polymorphic ventricular tachycardia (CVPT). Also called: Catecholamine-induced polymorphic ventricular tachycardia. Identifiers: Orphanet 3286, MedGen C5574922, MONDO:0017990.

Allele frequency attached by ClinVar (database versions not stated): TOPMed below 0.00001; gnomAD exomes 0.00001; ExAC 0.00002; gnomAD 0.00002; 1000 Genomes Project 30x 0.00016; 1000 Genomes Project 0.00020.
gnomAD v4.1: 19 of 1,613,844 alleles (0.0012%); highest among the groups gnomAD compares: Admixed American, 0.0017%; no homozygotes.

Submissions (6):

Labcorp Genetics (formerly Invitae), Labcorp
Classification: Likely benign for Catecholaminergic polymorphic ventricular tachycardia 1. Last evaluated: 2025-12-19. Review status: criteria provided, single submitter. Criteria: Invitae Variant Classification Sherloc (09022015). Collection method: clinical testing. Allele origin: germline.

Molecular Diagnostic Laboratory for Inherited Cardiovascular Disease, Montreal Heart Institute
Classification: Likely benign. Last evaluated: 2025-07-24. Review status: criteria provided, single submitter. Criteria: ACMG Guidelines, 2015. Collection method: clinical testing. Allele origin: germline. Affected: no.
Comment: BP7

Ambry Genetics
Classification: Likely benign for Cardiovascular phenotype. Last evaluated: 2024-11-23. Review status: criteria provided, single submitter. Criteria: Ambry Variant Classification Scheme 2023. Collection method: clinical testing. Allele origin: germline.

All of Us Research Program, National Institutes of Health
Classification: Likely benign for Catecholaminergic polymorphic ventricular tachycardia. Last evaluated: 2024-03-24. Review status: criteria provided, single submitter. Criteria: ACMG Guidelines, 2015. Collection method: clinical testing. Allele origin: germline. Inheritance: Autosomal dominant inheritance. Observed: 4 variant alleles, 4 heterozygotes.
Comment: This study involves interpretation of variants in research participants for the purpose of population health screening. Participant phenotype was not available at the time of variant classification. Additional details can be found in publication PMID: 35346344, PMCID: PMC8962531

Color Diagnostics, LLC DBA Color Health
Classification: Likely benign for Cardiomyopathy. Last evaluated: 2024-03-06. Review status: criteria provided, single submitter. Criteria: ACMG Guidelines, 2015. Collection method: clinical testing. Allele origin: germline.

Laboratory for Molecular Medicine, Mass General Brigham Personalized Medicine
Classification: Likely benign. Last evaluated: 2011-12-09. Review status: criteria provided, single submitter. Criteria: LMM Criteria. Collection method: clinical testing. Allele origin: germline. Observed: 1 variant allele.
Comment: Val1443Val in exon 33 of RYR2: This variant is not expected to have clinical sig nificance because it does not alter an amino acid residue and is not located nea r a splice junction.

NM_001035.3(RYR2):c.4329G>A (p.Val1443=)

Gene: RYR2 (ryanodine receptor 2; plus strand). Cytogenetic location: 1q43.
Variant type: single nucleotide variant.
Coding change: c.4329G>A on transcript NM_001035.3 (MANE Select); coding-DNA position 4329, G replaced by A.
Protein change: p.Val1443=; no amino-acid change (valine 1443 retained).
Molecular consequence: synonymous variant.
Genome position (GRCh38, 1-based): chr1:237,593,529, G>A. VCF-style: chr1-237593529-G-A. GRCh37 (hg19) VCF-style: chr1-237756829-G-A.
Identifiers: ClinVar variation 43783 (VCV000043783.20), dbSNP rs397516531, ClinGen allele CA009509.
Genomic context (GRCh38, chr1:237,593,529, plus strand): 5'-TTCACAGTACTATTACTCAGTGAGAATCTTTCCTGGACAAGAACCTGCTAATGTCTGGGT[G>A]GGCTGGATTACATCAGATTTCCATCAGTATGACACAGGCTTTGACTTGGACAGAGTTCGC-3'
Protein context (NP_001026.2, residues 1433-1453): FPGQEPANVW[Val1443=]GWITSDFHQY